The following is an entry in ClinVar:

NM_014363.6(SACS):c.7851T>A (p.Tyr2617Ter)

Gene: SACS (sacsin molecular chaperone; minus strand). Cytogenetic location: 13q12.12.
Variant type: single nucleotide variant.
Coding change: c.7851T>A on transcript NM_014363.6 (MANE Select); coding-DNA position 7851, T replaced by A.
Protein change: p.Tyr2617Ter; replaces tyrosine 2617 with a stop codon.
Molecular consequence: nonsense.
Genome position (GRCh38, 1-based): chr13:23,336,025, A>T on the plus strand (T>A on the coding strand, the complement: SACS is on the minus strand). VCF-style: chr13-23336025-A-T. GRCh37 (hg19) VCF-style: chr13-23910164-A-T.
Other names: c.7410T>A, p.Tyr2470Ter (NM_001278055.2); c.7878T>A, p.Tyr2626Ter (NM_001437336.1); short protein forms Y2617*, Y2470*, Y2626*.
Identifiers: ClinVar variation 5004425 (VCV005004425.1).

ClinVar aggregate classification (germline): Pathogenic (1 of 4 stars; one submission).

Conditions:
Charlevoix-Saguenay spastic ataxia (SACS). Also called: AUTOSOMAL RECESSIVE SPASTIC ATAXIA OF CHARLEVOIX-SAGUENAY; Spastic ataxia of Charlevoix-Saguenay; SPASTIC ATAXIA 6, AUTOSOMAL RECESSIVE. Identifiers: Orphanet 98, MedGen C1849140, MONDO:0010041, OMIM 270550.

Submission:

Myriad Genetics, Inc.
Classification: Pathogenic for Charlevoix-Saguenay spastic ataxia. Last evaluated: 2026-01-27. Review status: criteria provided, single submitter. Criteria: Myriad Autosomal Dominant, Autosomal Recessive and X-Linked Classification Criteria (2023). Collection method: clinical testing. Allele origin: unknown.
Comment: NM_014363.4(SACS):c.7851T>A(Y2617*) is a nonsense variant classified as pathogenic in the context of autosomal recessive spastic ataxia of Charlevoix-Saguenay. Y2617* has not been observed in cases with relevant disease. Relevant functional assessments of this variant are not available in the literature. Y2617* has not been observed in referenced population frequency databases. In summary, NM_014363.4(SACS):c.7851T>A(Y2617*) is a nonsense variant in a gene where loss of function is a known mechanism of disease and is predicted to disrupt protein function. Please note: this variant was assessed in the context of healthy population screening.